The following is an entry in ClinVar:

NM_001365276.2(TNXB):c.956del (p.Gly319fs)

Gene: TNXB (tenascin XB; minus strand). Cytogenetic location: 6p21.33.
Variant type: Deletion.
Coding change: c.956del on transcript NM_001365276.2 (MANE Select); coding-DNA position 956, one base deleted (G; older notation c.956delG).
Protein change: p.Gly319fs; shifts the reading frame from glycine 319.
Molecular consequence: frameshift variant.
Genome position (GRCh38, 1-based): chr6:32,096,897, C deleted on the plus strand (G on the coding strand, the reverse complement: TNXB is on the minus strand); the first of 4 consecutive C bases (chr6:32,096,897-32,096,900); deleting any one gives the same sequence. VCF-style (leftmost placement, unchanged base first): chr6-32096896-TC-T. GRCh37 (hg19) VCF-style: chr6-32064673-TC-T.
Other names: c.956del, p.Gly319fs (NM_001428335.1, NM_019105.8); short protein forms G319fs.
Identifiers: ClinVar variation 4081810 (VCV004081810.1).
Genomic context (GRCh38, chr6:32,096,896, plus strand): 5'-CGTACCACAGTCCTCGCCAGTGTAGCCGGGGTCACACACGCAGCGCCCGTCCTTGCAGCG[TC>T]CCCGCTGGCTGCAGCCCCGAGGGCAGCTCCTCACCCCACAGTCCTCGCCAGTGTAGCCGG-3'

ClinVar aggregate classification (germline): Pathogenic (1 of 4 stars; one submission).

Conditions:
Ehlers-Danlos syndrome due to tenascin-X deficiency (EDSCLL1). Also called: TNXB-Related Classical-Like Ehlers-Danlos Syndrome; Ehlers-Danlos syndrome, classic-like, 1; EHLERS-DANLOS SYNDROME, CLASSIC-LIKE; EDS DUE TO TNX DEFICIENCY; TNX DEFICIENCY. Identifiers: Orphanet 230839, MedGen C1848029, MONDO:0011670, OMIM 606408.

Submission:

Myriad Genetics, Inc.
Classification: Pathogenic for Ehlers-Danlos syndrome due to tenascin-X deficiency. Last evaluated: 2025-05-06. Review status: criteria provided, single submitter. Criteria: Myriad Autosomal Dominant, Autosomal Recessive and X-Linked Classification Criteria (2023). Collection method: clinical testing. Allele origin: unknown.
Comment: NM_019105.6(TNXB):c.956delG(G319Dfs*252) is a frameshift variant classified as pathogenic in the context of classical-like Ehlers-Danlos syndrome, TNXB-related. G319Dfs*252 has not been observed in cases with relevant disease. Relevant functional assessments of this variant are not available in the literature. G319Dfs*252 has been observed in referenced population frequency databases. In summary, NM_019105.6(TNXB):c.956delG(G319Dfs*252) is a frameshift variant in a gene where loss of function is a known mechanism of disease and is predicted to disrupt protein function. Please note: this variant was assessed in the context of healthy population screening.